The following is an entry in ClinVar:

NM_000492.4(CFTR):c.2801G>A (p.Gly934Asp)

Gene: CFTR (CF transmembrane conductance regulator; plus strand). Cytogenetic location: 7q31.2.
Variant type: single nucleotide variant.
Coding change: c.2801G>A on transcript NM_000492.4 (MANE Select); coding-DNA position 2801, G replaced by A.
Protein change: p.Gly934Asp; replaces glycine 934 with aspartic acid.
Molecular consequence: missense variant.
Genome position (GRCh38, 1-based): chr7:117,603,675, G>A. VCF-style: chr7-117603675-G-A. GRCh37 (hg19) VCF-style: chr7-117243729-G-A.
Other names: short protein forms G934D.
Identifiers: ClinVar variation 3832594 (VCV003832594.1).

ClinVar aggregate classification (germline): Uncertain significance (1 of 4 stars; one submission).

Conditions:
Cystic fibrosis (CF). Also called: MUCOVISCIDOSIS. Identifiers: Orphanet 586, MedGen C0010674, MONDO:0009061, OMIM 219700. Disease mechanism: loss of function.

Submission:

Ambry Genetics
Classification: Uncertain significance for Cystic fibrosis. Last evaluated: 2025-02-15. Review status: criteria provided, single submitter. Criteria: Ambry Variant Classification Scheme 2023. Collection method: clinical testing. Allele origin: germline.
Comment: The p.G934D variant (also known as c.2801G>A), located in coding exon 17 of the CFTR gene, results from a G to A substitution at nucleotide position 2801. The glycine at codon 934 is replaced by aspartic acid, an amino acid with similar properties. This amino acid position is conserved. In addition, this alteration is predicted to be deleterious by in silico analysis. Based on the available evidence, the clinical significance of this variant remains unclear.